The following is an entry in ClinVar:

NM_153460.4(IL17RC):c.485G>A (p.Cys162Tyr)

Gene: IL17RC (interleukin 17 receptor C; plus strand). Cytogenetic location: 3p25.3.
Variant type: single nucleotide variant.
Coding change: c.485G>A on transcript NM_153460.4 (MANE Select); coding-DNA position 485, G replaced by A.
Protein change: p.Cys162Tyr; replaces cysteine 162 with tyrosine.
Molecular consequence: missense variant. On other transcripts: non-coding transcript variant (1).
Genome position (GRCh38, 1-based): chr3:9,920,510, G>A. VCF-style: chr3-9920510-G-A. GRCh37 (hg19) VCF-style: chr3-9962194-G-A.
Other names: c.485G>A, p.Cys162Tyr (NM_001203263.2, NM_001203264.2, NM_001203265.2 and 4 more transcripts); c.410G>A, p.Cys137Tyr (NM_001367279.1); c.698G>A, p.Cys233Tyr (NM_153461.4); short protein forms C162Y, C137Y, C233Y.
Identifiers: ClinVar variation 3016554 (VCV003016554.3), dbSNP rs2470140967, ClinGen allele CA351756889.

ClinVar aggregate classification (germline): Uncertain significance (1 of 4 stars; one submission).

Conditions:
Candidiasis, familial, 9 (CANDF9). Identifiers: Orphanet 1334, MedGen C4225324, MONDO:0014642, OMIM 616445.

Submission:

Labcorp Genetics (formerly Invitae), Labcorp
Classification: Uncertain significance for Candidiasis, familial, 9. Last evaluated: 2023-05-25. Review status: criteria provided, single submitter. Criteria: Invitae Variant Classification Sherloc (09022015). Collection method: clinical testing. Allele origin: germline.
Comment: In summary, the available evidence is currently insufficient to determine the role of this variant in disease. Therefore, it has been classified as a Variant of Uncertain Significance. An algorithm developed to predict the effect of missense changes on protein structure and function (PolyPhen-2) suggests that this variant is likely to be disruptive. This variant has not been reported in the literature in individuals affected with IL17RC-related conditions. This variant is not present in population databases (gnomAD no frequency). This sequence change replaces cysteine, which is neutral and slightly polar, with tyrosine, which is neutral and polar, at codon 233 of the IL17RC protein (p.Cys233Tyr).